The following is an entry in ClinVar:

ClinVar aggregate classification (germline): Uncertain significance. Review status: criteria provided, multiple submitters, no conflicts (2 of 4 stars). 2 submissions from 2 submitters: Uncertain significance (2). Last evaluated 2026-01-04.

Conditions:
Autosomal dominant mitochondrial myopathy with exercise intolerance (IMMD). Also called: Myopathy, isolated mitochondrial, autosomal dominant. Identifiers: Orphanet 457050, MedGen C4015513, MONDO:0014532, OMIM 616209.
Lower motor neuron syndrome with late-adult onset (SMAJ). Also called: Spinal muscular atrophy, Jokela type; Late-Onset Spinal Motor Neuronopathy (SMAJ). Identifiers: Orphanet 276435, MedGen C3554398, MONDO:0014025, OMIM 615048.
Frontotemporal dementia and/or amyotrophic lateral sclerosis 2. Also called: FTDALS2. Identifiers: Orphanet 275872, MedGen C4014648, MONDO:0014395, OMIM 615911.

gnomAD v4.1: 30 of 1,577,890 alleles (0.0019%); highest among the groups gnomAD compares: Non-Finnish European, 0.0025%; no homozygotes.

Submissions (2):

Labcorp Genetics (formerly Invitae), Labcorp
Classification: Uncertain significance for Lower motor neuron syndrome with late-adult onset; Frontotemporal dementia and/or amyotrophic lateral sclerosis 2; Autosomal dominant mitochondrial myopathy with exercise intolerance. Last evaluated: 2026-01-04. Review status: criteria provided, single submitter. Criteria: Invitae Variant Classification Sherloc (09022015). Collection method: clinical testing. Allele origin: germline.
Comment: This sequence change creates a premature translational stop signal (p.Tyr104*) in the CHCHD10 gene. It is expected to result in an absent or disrupted protein product. However, the current clinical and genetic evidence is not sufficient to establish whether loss-of-function variants in CHCHD10 cause disease. The frequency data for this variant in the population databases is considered unreliable, as metrics indicate poor data quality at this position in the gnomAD database. This premature translational stop signal has been observed in individual(s) with amyotrophic lateral sclerosis (PMID: 36284339). ClinVar contains an entry for this variant (Variation ID: 569761). Algorithms developed to predict the effect of sequence changes on RNA splicing suggest that this variant may disrupt the consensus splice site. In summary, the available evidence is currently insufficient to determine the role of this variant in disease. Therefore, it has been classified as a Variant of Uncertain Significance.

Women's Health and Genetics/Laboratory Corporation of America, LabCorp
Classification: Uncertain significance. Last evaluated: 2025-12-14. Review status: criteria provided, single submitter. Criteria: LabCorp Variant Classification Summary - May 2015. Collection method: clinical testing. Allele origin: germline.
Comment: Variant summary: CHCHD10 c.312C>A (p.Tyr104X) results in a premature termination codon, predicted to cause a truncation of the encoded protein or absence of the protein, however current evidence is not sufficient to establish loss of function as a mechanism for disease. The variant allele was found at a frequency of 4.5e-06 in 220022 control chromosomes. The available data on variant occurrences in the general population are insufficient to allow any conclusion about variant significance. c.312C>A has been observed in individual(s) affected with amyotrophic lateral sclerosis (example: Liao_2022). These report(s) do not provide unequivocal conclusions about association of the variant with Frontotemporal dementia and/or amyotrophic lateral sclerosis 2. To our knowledge, no experimental evidence demonstrating an impact on protein function has been reported. The following publication have been ascertained in the context of this evaluation (PMID: 36284339). ClinVar contains an entry for this variant (Variation ID: 569761). Based on the evidence outlined above, the variant was classified as uncertain significance.

Literature cited by the submitters: PubMed 36284339 (cited by Labcorp Genetics (formerly Invitae), Labcorp and Women's Health and Genetics/Laboratory Corporation of America, LabCorp).

NM_213720.3(CHCHD10):c.312C>A (p.Tyr104Ter)

Gene: CHCHD10 (coiled-coil-helix-coiled-coil-helix domain containing 10; minus strand). Cytogenetic location: 22q11.23.
Variant type: single nucleotide variant.
Coding change: c.312C>A on transcript NM_213720.3 (MANE Select); coding-DNA position 312, C replaced by A.
Protein change: p.Tyr104Ter; replaces tyrosine 104 with a stop codon.
Molecular consequence: nonsense. On other transcripts: non-coding transcript variant (2).
Genome position (GRCh38, 1-based): chr22:23,766,225, G>T on the plus strand (C>A on the coding strand, the complement: CHCHD10 is on the minus strand). VCF-style: chr22-23766225-G-T. GRCh37 (hg19) VCF-style: chr22-24108412-G-T.
Other names: c.333C>A, p.Tyr111Ter (NM_001301339.2); short protein forms Y104*, Y111*.
Identifiers: ClinVar variation 569761 (VCV000569761.11), dbSNP rs9153, ClinGen allele CA322572701.